The following is an entry in ClinVar:

NM_001369268.1(ACAN):c.2026+105A>T

Gene: ACAN (aggrecan; plus strand). Cytogenetic location: 15q26.1.
Variant type: single nucleotide variant.
Coding change: c.2026+105A>T on transcript NM_001369268.1 (MANE Select); 105 bases into the intron after coding-DNA position 2026, A replaced by T.
Molecular consequence: intron variant.
Genome position (GRCh38, 1-based): chr15:88,849,836, A>T. VCF-style: chr15-88849836-A-T. GRCh37 (hg19) VCF-style: chr15-89393067-A-T.
Other names: NC_000015.9:g.89393067A>T; c.2026+105A>T (NM_013227.4, NM_001411097.1, NM_001411096.1 and 1 more transcripts).
Identifiers: ClinVar variation 3388665 (VCV003388665.15).

ClinVar aggregate classification (germline): Likely benign (1 of 4 stars; one submission).

gnomAD v4.1: 1,031 of 1,466,412 alleles (0.07%); highest among the groups gnomAD compares: African/African-American, 1.1%; 3 homozygotes.

Submissions (2):

CeGaT Center for Human Genetics Tuebingen
Classification: Likely benign. Last evaluated: 2024-10-01. Review status: criteria provided, single submitter. Criteria: CeGaT Center For Human Genetics Tuebingen Variant Classification Criteria Version 2. Collection method: clinical testing. Allele origin: germline. Affected: yes. Observed: 1 variant allele.
Comment: ACAN: BS1

Dr. Peter K. Rogan Lab, Western University
No classification provided (evidence only). Condition: Uterine corpus endometrial carcinoma. Review status: no classification provided. Collection method: in vitro. Allele origin: not applicable. Functional consequence: retained intron. Not counted in ClinVar's aggregate classification.